The following is an entry in ClinVar:

NM_206933.4(USH2A):c.3043C>T (p.His1015Tyr)

Genes: USH2A (usherin; minus strand), USH2A-AS1 (USH2A antisense RNA 1; plus strand). Cytogenetic location: 1q41.
Variant type: single nucleotide variant.
Coding change: c.3043C>T on transcript NM_206933.4 (MANE Select); coding-DNA position 3043, C replaced by T.
Protein change: p.His1015Tyr; replaces histidine 1015 with tyrosine.
Molecular consequence: missense variant.
Genome position (GRCh38, 1-based): chr1:216,217,501, G>A on the plus strand (C>T on the coding strand, the complement: USH2A is on the minus strand). VCF-style: chr1-216217501-G-A. GRCh37 (hg19) VCF-style: chr1-216390843-G-A.
Other names: c.3043C>T, p.His1015Tyr (NM_007123.6); short protein forms H1015Y.
Identifiers: ClinVar variation 166513 (VCV000166513.22), dbSNP rs142302070, ClinGen allele CA179580.

ClinVar aggregate classification (germline): Conflicting classifications of pathogenicity. Review status: criteria provided, conflicting classifications (1 of 4 stars). 7 submissions from 7 submitters: Uncertain significance (4); Likely benign (1). 2 of the submissions do not count toward it. Last evaluated 2026-01-28.

Conditions:
USH2A-related disorder. Also called: USH2A-related condition; USH2A-related disorders. Identifiers: MedGen CN239332.
Usher syndrome type 2A. Also called: RETINAL DISEASE IN USHER SYNDROME TYPE IIA, MODIFIER OF; USHER SYNDROME, TYPE IIA. Identifiers: Orphanet 231178, Orphanet 886, MedGen C1848634, MONDO:0010169, OMIM 276901.

Allele frequency attached by ClinVar (database versions not stated): gnomAD exomes 0.00005 and 0.00013; gnomAD 0.00007; TOPMed 0.00010; ExAC 0.00013; ESP Exome Variant Server 0.00031.
gnomAD v4.1: 89 of 1,613,152 alleles (0.0055%); highest among the groups gnomAD compares: Non-Finnish European, 0.00085%; no homozygotes.

Submissions (7):

Labcorp Genetics (formerly Invitae), Labcorp
Classification: Likely benign. Last evaluated: 2026-01-28. Review status: criteria provided, single submitter. Criteria: Invitae Variant Classification Sherloc (09022015). Collection method: clinical testing. Allele origin: germline.

PreventionGenetics, part of Exact Sciences
Classification: Uncertain significance for USH2A-related condition. Last evaluated: 2025-02-05. Review status: criteria provided, single submitter. Criteria: ACMG Guidelines, 2015. Collection method: clinical testing. Allele origin: germline.
Comment: The USH2A c.3043C>T variant is predicted to result in the amino acid substitution p.His1015Tyr. To our knowledge, this variant has not been reported in the literature. An alternate nucleotide change impacting the same amino acid position (p.His1015Gln) has been reported in individuals with non-syndromic retinitis pigmentosa (Table 4, Pierrache. 2016. PubMed ID: 26927203; Karali. 2019. PubMed ID: 31877679). This variant is reported in 0.25% of alleles in individuals of Ashkenazi Jewish descent in gnomAD. At this time, the clinical significance of this variant is uncertain due to the absence of conclusive functional and genetic evidence.

Blueprint Genetics
Classification: Uncertain significance. Last evaluated: 2021-12-01. Review status: criteria provided, single submitter. Criteria: ACMG Guidelines, 2015. Collection method: clinical testing. Allele origin: germline.

GeneDx
Classification: Uncertain significance. Last evaluated: 2020-09-02. Review status: criteria provided, single submitter. Criteria: GeneDx Variant Classification Process June 2021. Collection method: clinical testing. Allele origin: germline. Affected: yes.
Comment: In silico analysis supports that this missense variant has a deleterious effect on protein structure/function; Has not been previously published as pathogenic or benign to our knowledge

Laboratory for Molecular Medicine, Mass General Brigham Personalized Medicine
Classification: Uncertain significance. Last evaluated: 2013-11-25. Review status: criteria provided, single submitter. Criteria: LMM Criteria. Collection method: clinical testing. Allele origin: germline. Observed: 1 variant allele.
Comment: The His1015Tyr variant in USH2A has not been previously reported in individuals with hearing loss, but has been identified in 0.05% (4/8600) of European America n chromosomes by the NHLBI Exome Sequencing Project (u; dbSNP rs142302070). Computational tools (biochemical amino acid properties, c onservation, AlignGVGD, PolyPhen2, and SIFT) do not provide strong evidence for or against an impact to the protein. In summary, additional data is needed to de termine the clinical significance of this variant.

Natera, Inc.
Classification: Uncertain significance for Usher syndrome type 2A. Last evaluated: 2019-11-11. Review status: no assertion criteria provided. Collection method: clinical testing. Allele origin: germline. Not counted in ClinVar's aggregate classification.

Division of Human Genetics, Children's Hospital of Philadelphia
Classification: Uncertain significance for Usher syndrome type 2A. Last evaluated: 2015-07-25. Review status: no assertion criteria provided. Collection method: research. Allele origin: germline. Affected: yes. Study: CSER-PediSeq. Not counted in ClinVar's aggregate classification.